The following is an entry in ClinVar:

ClinVar aggregate classification (germline): Uncertain significance (1 of 4 stars; one submission).

Allele frequency attached by ClinVar (database versions not stated): gnomAD exomes below 0.00001.
gnomAD v4.1: 2 of 1,600,158 alleles (0.00012%); highest among the groups gnomAD compares: Non-Finnish European, 0.00017%; no homozygotes.

Submission:

Labcorp Genetics (formerly Invitae), Labcorp
Classification: Uncertain significance. Last evaluated: 2022-12-31. Review status: criteria provided, single submitter. Criteria: Invitae Variant Classification Sherloc (09022015). Collection method: clinical testing. Allele origin: germline.
Comment: In summary, the available evidence is currently insufficient to determine the role of this variant in disease. Therefore, it has been classified as a Variant of Uncertain Significance. Algorithms developed to predict the effect of missense changes on protein structure and function are either unavailable or do not agree on the potential impact of this missense change (SIFT: "Tolerated"; PolyPhen-2: "Possibly Damaging"; Align-GVGD: "Class C0"). This variant has not been reported in the literature in individuals affected with DIP2C-related conditions. This variant is not present in population databases (gnomAD no frequency). This sequence change replaces threonine, which is neutral and polar, with alanine, which is neutral and non-polar, at codon 1143 of the DIP2C protein (p.Thr1143Ala).

NM_014974.3(DIP2C):c.3427A>G (p.Thr1143Ala)

Genes: DIP2C (DIP2 acetate--CoA ligase C (putative); minus strand), LOC126860805 (BRD4-independent group 4 enhancer GRCh37_chr10:390524-391723; plus strand). Cytogenetic location: 10p15.3.
Variant type: single nucleotide variant.
Coding change: c.3427A>G on transcript NM_014974.3 (MANE Select); coding-DNA position 3427, A replaced by G.
Protein change: p.Thr1143Ala; replaces threonine 1143 with alanine.
Molecular consequence: missense variant.
Genome position (GRCh38, 1-based): chr10:344,835, T>C on the plus strand (A>G on the coding strand, the complement: DIP2C is on the minus strand). VCF-style: chr10-344835-T-C. GRCh37 (hg19) VCF-style: chr10-390775-T-C.
Other names: short protein forms T1143A.
Identifiers: ClinVar variation 2787466 (VCV002787466.3), dbSNP rs2540547489, ClinGen allele CA375829952.
Genomic context (GRCh38, chr10:344,835, plus strand): 5'-CTCCATGGCCACCGCCCGCAGCCACCCCCCTCACCTTTACGCCAGCTAGCATCCCAGTTG[T>C]GGACACGCTGAAGTCGAGATATGCAAGAGTGTCTGGGTTGCAAGGTTTGCAGATCTGGGC-3'
Protein context (NP_055789.1, residues 1133-1153): TLAYLDFSVS[Thr1143Ala]TGMLAGVKMS